The following is an entry in ClinVar:

ClinVar aggregate classification (germline): Uncertain significance (1 of 4 stars; one submission).

Conditions:
Gorlin syndrome. Also called: Nevoid Basal Cell Carcinoma Syndrome; Basal cell nevus syndrome. Identifiers: Orphanet 377, MedGen C0004779, MONDO:0007187.
Medulloblastoma (MDB). Also called: MEDULLOBLASTOMA PREDISPOSITION SYNDROME; Medulloblastoma, somatic. Identifiers: Orphanet 616, MedGen C0025149, MeSH D008527, MONDO:0007959, OMIM 155255, HP:0002885.

Submission:

Labcorp Genetics (formerly Invitae), Labcorp
Classification: Uncertain significance for Gorlin syndrome; Medulloblastoma. Last evaluated: 2024-07-24. Review status: criteria provided, single submitter. Criteria: Invitae Variant Classification Sherloc (09022015). Collection method: clinical testing. Allele origin: germline.
Comment: This sequence change replaces glutamic acid, which is acidic and polar, with aspartic acid, which is acidic and polar, at codon 206 of the SUFU protein (p.Glu206Asp). This variant is not present in population databases (gnomAD no frequency). This variant has not been reported in the literature in individuals affected with SUFU-related conditions. Advanced modeling of protein sequence and biophysical properties (such as structural, functional, and spatial information, amino acid conservation, physicochemical variation, residue mobility, and thermodynamic stability) performed at Invitae indicates that this missense variant is not expected to disrupt SUFU protein function with a negative predictive value of 80%. In summary, the available evidence is currently insufficient to determine the role of this variant in disease. Therefore, it has been classified as a Variant of Uncertain Significance.

NM_016169.4(SUFU):c.618A>T (p.Glu206Asp)

Gene: SUFU (SUFU negative regulator of hedgehog signaling; plus strand). Cytogenetic location: 10q24.32.
Variant type: single nucleotide variant.
Coding change: c.618A>T on transcript NM_016169.4 (MANE Select); coding-DNA position 618, A replaced by T.
Protein change: p.Glu206Asp; replaces glutamic acid 206 with aspartic acid.
Molecular consequence: missense variant.
Genome position (GRCh38, 1-based): chr10:102,593,656, A>T. VCF-style: chr10-102593656-A-T. GRCh37 (hg19) VCF-style: chr10-104353413-A-T.
Other names: c.618A>T, p.Glu206Asp (NM_001178133.2); short protein forms E206D.
Identifiers: ClinVar variation 2947466 (VCV002947466.3), dbSNP rs2545084620, ClinGen allele CA377909426.